The following is an entry in ClinVar:

ClinVar aggregate classification (germline): Uncertain significance. Review status: criteria provided, multiple submitters, no conflicts (2 of 4 stars). 2 submissions from 2 submitters: Uncertain significance (2). Last evaluated 2024-06-12.

Conditions:
Hereditary cancer-predisposing syndrome. Also called: Neoplastic Syndromes, Hereditary; Hereditary neoplastic syndrome; Tumor predisposition; Hereditary Cancer Syndrome. Identifiers: Orphanet 140162, MedGen C0027672, MeSH D009386, MONDO:0015356.
Cardiovascular phenotype. Identifiers: MedGen CN230736.
Neurofibromatosis, type 1 (NF1). Also called: VON RECKLINGHAUSEN DISEASE; NEUROFIBROMATOSIS, TYPE I, SOMATIC; Peripheral type neurofibromatosis; Neurofibromatosis, type I. Identifiers: Orphanet 636, MedGen C0027831, MONDO:0018975, OMIM 162200. Disease mechanism: loss of function.

Submissions (2):

Labcorp Genetics (formerly Invitae), Labcorp
Classification: Uncertain significance for Neurofibromatosis, type 1. Last evaluated: 2024-06-12. Review status: criteria provided, single submitter. Criteria: Invitae Variant Classification Sherloc (09022015). Collection method: clinical testing. Allele origin: germline.
Comment: This sequence change falls in intron 5 of the NF1 gene. It does not directly change the encoded amino acid sequence of the NF1 protein. It affects a nucleotide within the consensus splice site. This variant is not present in population databases (gnomAD no frequency). This variant has not been reported in the literature in individuals affected with NF1-related conditions. ClinVar contains an entry for this variant (Variation ID: 665960). Variants that disrupt the consensus splice site are a relatively common cause of aberrant splicing (PMID: 17576681, 9536098). Algorithms developed to predict the effect of sequence changes on RNA splicing suggest that this variant is not likely to affect RNA splicing. In summary, the available evidence is currently insufficient to determine the role of this variant in disease. Therefore, it has been classified as a Variant of Uncertain Significance.

Ambry Genetics
Classification: Uncertain significance for Cardiovascular phenotype; Hereditary cancer-predisposing syndrome. Last evaluated: 2022-09-19. Review status: criteria provided, single submitter. Criteria: Ambry Variant Classification Scheme 2023. Collection method: clinical testing. Allele origin: germline.
Comment: The c.586+4A>G intronic variant results from an A to G substitution 4 nucleotides after coding exon 5 in the NF1 gene. This nucleotide position is not well conserved in available vertebrate species. In silico splice site analysis for this alteration is inconclusive; however, direct evidence is insufficient at this time (Ambry internal data). Since supporting evidence is limited at this time, the clinical significance of this alteration remains unclear.

Literature cited by the submitters: PubMed 17576681 (cited by Labcorp Genetics (formerly Invitae), Labcorp); PubMed 9536098 (cited by Labcorp Genetics (formerly Invitae), Labcorp).

NM_001042492.3(NF1):c.586+4A>G

Gene: NF1 (neurofibromin 1; plus strand). Cytogenetic location: 17q11.2.
Variant type: single nucleotide variant.
Coding change: c.586+4A>G on transcript NM_001042492.3 (MANE Select); 4 bases into the intron after coding-DNA position 586, A replaced by G.
Molecular consequence: intron variant.
Genome position (GRCh38, 1-based): chr17:31,170,001, A>G. VCF-style: chr17-31170001-A-G. GRCh37 (hg19) VCF-style: chr17-29497019-A-G.
Other names: c.586+4A>G (NM_000267.4, NM_001128147.3).
Identifiers: ClinVar variation 665960 (VCV000665960.8), dbSNP rs1597644028, ClinGen allele CA915949742.